The following is an entry in ClinVar:

NM_000153.4(GALC):c.908+5G>A

Gene: GALC (galactosylceramidase; minus strand). Cytogenetic location: 14q31.3.
Variant type: single nucleotide variant.
Coding change: c.908+5G>A on transcript NM_000153.4 (MANE Select); 5 bases into the intron after coding-DNA position 908, G replaced by A.
Molecular consequence: intron variant.
Genome position (GRCh38, 1-based): chr14:87,968,330, C>T on the plus strand (G>A on the coding strand, the complement: GALC is on the minus strand). VCF-style: chr14-87968330-C-T. GRCh37 (hg19) VCF-style: chr14-88434674-C-T.
Other names: c.275+5G>A (NM_001424076.1, NM_001424077.1); c.830+5G>A (NM_001201402.2); c.839+5G>A (NM_001201401.2); c.560+5G>A (NM_001424075.1, NM_001424074.1); c.740+5G>A (NM_001424072.1, NM_001424073.1, NM_001424071.1).
Identifiers: ClinVar variation 4526659 (VCV004526659.1).
Genomic context (GRCh38, chr14:87,968,330, plus strand): 5'-TTTTCTAACTCTTATGTTTTTAAATTTTTTTTGATAAGAACTCTAAAAGGTTTTTAATAA[C>T]TTACGAAGTCATATAGCCATTGATATAATTCTGATTTAAAATGCGACCCCAGCAGCCTGC-3'

ClinVar aggregate classification (germline): Pathogenic (1 of 4 stars; one submission).

Conditions:
Galactosylceramide beta-galactosidase deficiency. Also called: GALACTOCEREBROSIDASE DEFICIENCY; GALC DEFICIENCY; GLOBOID CELL LEUKOENCEPHALOPATHY; Leukodystrophy, Globoid Cell; Krabbe Disease. Identifiers: Orphanet 487, MedGen C0023521, MONDO:0009499, OMIM 245200.

Submission:

Genetics Department, Hospital Ramon y Cajal-IRYCIS
Classification: Pathogenic for Galactosylceramide beta-galactosidase deficiency. Last evaluated: 2025-10-31. Review status: criteria provided, single submitter. Criteria: ACMG Guidelines, 2015. Collection method: research, in vitro. Allele origin: maternal, not applicable. Affected: yes. Observed: 2 variant alleles. Functional consequence: skipped exon.
Comment: ACMG criteria PS3, PM2, PM4, PP3 and PP4. For PS3, we performed splicing assays and enzyme activity assays on DBS. For PM4, our splicing assays demonstrated skipping of exon 8 resulting in an in-frame deletion of 52 residues.